The following is an entry in ClinVar:

NM_181783.4(TMTC3):c.2170A>G (p.Ile724Val)

Gene: TMTC3 (transmembrane O-mannosyltransferase targeting cadherins 3; plus strand). Cytogenetic location: 12q21.32.
Variant type: single nucleotide variant.
Coding change: c.2170A>G on transcript NM_181783.4 (MANE Select); coding-DNA position 2170, A replaced by G.
Protein change: p.Ile724Val; replaces isoleucine 724 with valine.
Molecular consequence: missense variant. On other transcripts: non-coding transcript variant (1).
Genome position (GRCh38, 1-based): chr12:88,195,074, A>G. VCF-style: chr12-88195074-A-G. GRCh37 (hg19) VCF-style: chr12-88588851-A-G.
Other names: c.1990A>G, p.Ile664Val (NM_001366574.1); c.1951A>G, p.Ile651Val (NM_001366579.1); c.1903A>G, p.Ile635Val (NM_001366580.1); c.1477A>G, p.Ile493Val (NM_001366583.1); short protein forms I664V, I493V, I635V, I651V, I724V.
Identifiers: ClinVar variation 1485947 (VCV001485947.8), dbSNP rs766539256, ClinGen allele CA6713441.

ClinVar aggregate classification (germline): Uncertain significance (1 of 4 stars; one submission).

Allele frequency attached by ClinVar (database versions not stated): ExAC 0.00001; gnomAD 0.00001; TOPMed 0.00001; gnomAD exomes 0.00002.
gnomAD v4.1: 31 of 1,613,710 alleles (0.0019%); highest among the groups gnomAD compares: Middle Eastern, 0.033%; no homozygotes.

Submission:

Labcorp Genetics (formerly Invitae), Labcorp
Classification: Uncertain significance. Last evaluated: 2025-12-03. Review status: criteria provided, single submitter. Criteria: Invitae Variant Classification Sherloc (09022015). Collection method: clinical testing. Allele origin: germline.
Comment: This sequence change replaces isoleucine, which is neutral and non-polar, with valine, which is neutral and non-polar, at codon 724 of the TMTC3 protein (p.Ile724Val). This variant is present in population databases (rs766539256, gnomAD 0.003%). This variant has not been reported in the literature in individuals affected with TMTC3-related conditions. ClinVar contains an entry for this variant (Variation ID: 1485947). An algorithm developed to predict the effect of missense changes on protein structure and function outputs the following: PolyPhen-2: "Benign". The valine amino acid residue is found in multiple mammalian species, which suggests that this missense change does not adversely affect protein function. In summary, the available evidence is currently insufficient to determine the role of this variant in disease. Therefore, it has been classified as a Variant of Uncertain Significance.